The following is an entry in ClinVar:

ClinVar aggregate classification (germline): Pathogenic. Review status: criteria provided, multiple submitters, no conflicts (2 of 4 stars). 12 submissions from 12 submitters: Pathogenic (8). 4 of the submissions do not count toward it. Last evaluated 2026-02-01.

Conditions:
STAR-related disorder. Also called: STAR-related condition.
Congenital lipoid adrenal hyperplasia due to STAR deficency. Also called: Cholesterol monooxygenase (side-chain cleaving) deficiency; Congenital Lipoid Adrenal Hyperplasia; Lipoid adrenal hyperplasia; ADRENAL HYPERPLASIA I. Identifiers: Orphanet 418, Orphanet 90790, MedGen C0342474, MONDO:0008725, OMIM 201710.

Allele frequency attached by ClinVar (database versions not stated): TOPMed 0.00002; gnomAD 0.00003; gnomAD exomes 0.00004 and 0.00005; ExAC 0.00006.
gnomAD v4.1: 76 of 1,614,102 alleles (0.0047%); highest among the groups gnomAD compares: South Asian, 0.023%; no homozygotes.

Submissions (12):

Labcorp Genetics (formerly Invitae), Labcorp
Classification: Pathogenic. Last evaluated: 2026-02-01. Review status: criteria provided, single submitter. Criteria: Invitae Variant Classification Sherloc (09022015). Collection method: clinical testing. Allele origin: germline.
Comment: This sequence change replaces arginine, which is basic and polar, with cysteine, which is neutral and slightly polar, at codon 188 of the STAR protein (p.Arg188Cys). This variant is present in population databases (rs104894090, gnomAD 0.03%). This missense change has been observed in individuals with nonclassic lipoid congenital adrenal hyperplasia or primary adrenal insufficiency (PMID: 16968793, 19773404, 20444910, 26650942, 28637490, 29576868). It has also been observed to segregate with disease in related individuals. ClinVar contains an entry for this variant (Variation ID: 8997). Invitae Evidence Modeling of protein sequence and biophysical properties (such as structural, functional, and spatial information, amino acid conservation, physicochemical variation, residue mobility, and thermodynamic stability) indicates that this missense variant is not expected to disrupt STAR protein function with a negative predictive value of 80%. Experimental studies have shown that this missense change affects STAR function (PMID: 16968793, 20444910). For these reasons, this variant has been classified as Pathogenic.

Natera, Inc.
Classification: Pathogenic for Congenital lipoid adrenal hyperplasia. Last evaluated: 2026-01-28. Review status: criteria provided, single submitter. Criteria: Natera Variant Classification Schema (03/2026). Collection method: clinical testing. Allele origin: germline.
Comment: The c.562C>T variant in STAR is a missense variant predicted to cause substitution of arginine to cysteine at amino acid 188. This variant is rare in the general population with a frequency below the threshold expected for the associated phenotype(s). This variant has been observed in one or more individuals affected with the associated recessive disease, as either homozygous or compound heterozygous with a second variant (PMID: 20444910, 19773404). Additionally, this variant has been observed to segregate in affected family members (PMID: 19773404). Functional studies show that this variant may disrupt protein function (PMID: 16968793). Computational prediction algorithms indicate this variant is likely to affect gene or protein function. Given the available evidence, this variant is classified as Pathogenic.

Fulgent Genetics
Classification: Pathogenic for Congenital lipoid adrenal hyperplasia due to STAR deficency. Last evaluated: 2024-04-25. Review status: criteria provided, single submitter. Criteria: ACMG Guidelines, 2015. Collection method: clinical testing. Allele origin: germline.

Blueprint Genetics
Classification: Pathogenic for STAR-related disorders. Last evaluated: 2024-01-18. Review status: criteria provided, single submitter. Criteria: ACMG Guidelines, 2015. Collection method: clinical testing. Allele origin: germline. Affected: yes. Observed: 5 variant alleles.

Women's Health and Genetics/Laboratory Corporation of America, LabCorp
Classification: Pathogenic for Congenital lipoid adrenal hyperplasia due to STAR deficency. Last evaluated: 2024-01-15. Review status: criteria provided, single submitter. Criteria: LabCorp Variant Classification Summary - May 2015. Collection method: clinical testing. Allele origin: germline.
Comment: Variant summary: STAR c.562C>T (p.Arg188Cys) results in a non-conservative amino acid change located in the START domain (IPR002913) of the encoded protein sequence. Five of five in-silico tools predict a damaging effect of the variant on protein function. The variant allele was found at a frequency of 4.4e-05 in 251552 control chromosomes (gnomAD). This frequency is not significantly higher than estimated for a pathogenic variant in STAR causing Congenital Lipoid Adrenal Hyperplasia (4.4e-05 vs 0.0035), allowing no conclusion about variant significance. c.562C>T has been reported in the literature in multiple bi-allelic individuals affected with Congenital Lipoid Adrenal Hyperplasia (examples: Baker_2006, Sahakitrungruang_2010, Fluck_2011, Zhang_2021). These data indicate that the variant is very likely to be associated with disease. Multiple publications have reported experimental evidence that this variant disrupts normal protein activity (Baker_2006 and Sahakitrungruang_2010). The following publications have been ascertained in the context of this evaluation (PMID: 16968793, 20444910, 33227378, 21691943, 21951701). ClinVar contains an entry for this variant (Variation ID: 8997). Based on the evidence outlined above, the variant was classified as pathogenic.

GeneDx
Classification: Pathogenic. Last evaluated: 2023-02-14. Review status: criteria provided, single submitter. Criteria: GeneDx Variant Classification Process June 2021. Collection method: clinical testing. Allele origin: germline. Affected: yes.
Comment: Published functional studies demonstrate decreased binding to cholesterol and reduced enzymatic activity (Baker et al., 2006); In silico analysis supports that this missense variant has a deleterious effect on protein structure/function; This variant is associated with the following publications: (PMID: 34758253, 20444910, 26650942, 28637490, 17301050, 29576868, 34426522, 32841165, 33227378, 16968793, 19773404)

Revvity Omics, Revvity
Classification: Pathogenic for Congenital lipoid adrenal hyperplasia due to STAR deficency. Last evaluated: 2022-11-03. Review status: criteria provided, single submitter. Criteria: ACMG Guidelines, 2015. Collection method: clinical testing. Allele origin: germline.

Neuberg Centre For Genomic Medicine, NCGM
Classification: Pathogenic for Congenital lipoid adrenal hyperplasia due to STAR deficency. Review status: criteria provided, single submitter. Criteria: ACMG Guidelines, 2015. Collection method: clinical testing. Allele origin: germline. Inheritance: Autosomal recessive inheritance. Affected: yes.
Comment: The observed missense c.562C>T(p.Arg188Cys) variant in STAR gene has been reported previously in homozygous or compound heterozygous state in individual(s) affected with Lipoid adrenal hyperplasia (Lu et al., 2022). Experimental studies have shown that this missense change affects STAR function (Sahakitrungruang et al., 2010). This variant is reported with the allele frequency of 0.004% in the gnomAD Exomes. This variant has been reported to the ClinVar database as Pathogenic (multiple submitters). The amino acid Arg at position 188 is changed to a Cys changing protein sequence and it might alter its composition and physico-chemical properties. The amino acid change p.Arg188Cys in STAR is predicted as conserved by GERP++ and PhyloP across 100 vertebrates. The variant is predicted as damaging by SIFT. For these reasons, this variant has been classified as Pathogenic.

Counsyl
Classification: Pathogenic for Congenital lipoid adrenal hyperplasia due to STAR deficency. Last evaluated: 2017-09-26. Review status: no assertion criteria provided. Collection method: clinical testing. Allele origin: unknown. Not counted in ClinVar's aggregate classification.

OMIM
Classification: Pathogenic for LIPOID CONGENITAL ADRENAL HYPERPLASIA. Last evaluated: 2006-12-01. Review status: no assertion criteria provided. Collection method: literature only. Allele origin: germline. Not counted in ClinVar's aggregate classification.

Department of Pathology and Laboratory Medicine, Sinai Health System
Classification: Pathogenic. Review status: no assertion criteria provided. Collection method: clinical testing. Allele origin: unknown. Affected: yes. Study: The Canadian Open Genetics Repository (COGR). Not counted in ClinVar's aggregate classification.
Comment: The STAR p.R188C variant was identified in the literature in individuals and families with nonclassic lipoid congenital adrenal hyperplasia, chronic adrenal insufficiency, and primary/acute adrenal insufficiency in the homozygous or compound heterozygous state (Baker_2006_PMID:16968793; Metherell_2009_PMID:19773404; Sahakitrungruang_2011_PMID: 20444910; Tsai_2015_PMID:26650942; Bizzarri_2017_PMID:28637490; Burget_2018_PMID:29576868). The variant was identified in dbSNP (ID: rs104894090), LOVD 3.0 (classified as likely pathogenic) and ClinVar (classified as pathogenic by Counsyl, Invitae, and OMIM, and associated with cholesterol monooxygenase (side-chain cleaving) deficiency and lipoid congenital adrenal hyperplasia). The variant was identified in control databases in 11 of 251352 chromosomes at a frequency of 0.00004376 (Genome Aggregation Database March 6, 2019, v2.1.1). The variant was observed in the following populations: South Asian in 8 of 30616 chromosomes (freq: 0.000261), African in 1 of 16244 chromosomes (freq: 0.000062) and European (non-Finnish) in 2 of 113662 chromosomes (freq: 0.000018), but was not observed in the Latino, Ashkenazi Jewish, East Asian, European (Finnish), or Other populations. The variant occurs outside of the splicing consensus sequence and three of four in silico or computational prediction software programs (SpliceSiteFinder, MaxEntScan, NNSPLICE, GeneSplicer) do not predict a greater than 10% difference in splicing; this is not very predictive of pathogenicity. However, the p.Arg188 residue is conserved in mammals and four out of five computational analyses (PolyPhen-2, SIFT, AlignGVGD, BLOSUM, MutationTaster) suggest that the variant may impact the protein. Further, functional studies of the STAR p.R188C mutant protein have demonstrated reduced protein activity and cholesterol-binding capacity (Baker_2006_PMID:16968793; Sahakitrungruang_2011_PMID: 20444910). In summary, based on the above information this variant meets our laboratoryâ€šÃ„Ã´s criteria to be classified as pathogenic.

Genomics England Pilot Project, Genomics England
Classification: Pathogenic for Congenital lipoid adrenal hyperplasia due to STAR deficency. Review status: no assertion criteria provided. Criteria: ACGS Guidelines, 2016. Collection method: clinical testing. Allele origin: germline. Affected: yes. Not counted in ClinVar's aggregate classification.

Literature cited by the submitters: PubMed 16968793 (cited by 5 submitters); PubMed 19773404 (cited by 3 submitters); PubMed 20444910 (cited by 4 submitters); PubMed 26650942 (cited by Labcorp Genetics (formerly Invitae), Labcorp and Counsyl); PubMed 28637490 (cited by Labcorp Genetics (formerly Invitae), Labcorp); PubMed 29576868 (cited by Labcorp Genetics (formerly Invitae), Labcorp); PubMed 21691943 (cited by Women's Health and Genetics/Laboratory Corporation of America, LabCorp); PubMed 21951701 (cited by Women's Health and Genetics/Laboratory Corporation of America, LabCorp); PubMed 33227378 (cited by Women's Health and Genetics/Laboratory Corporation of America, LabCorp).

NM_000349.3(STAR):c.562C>T (p.Arg188Cys)

Gene: STAR (steroidogenic acute regulatory protein; minus strand). Cytogenetic location: 8p11.23.
Variant type: single nucleotide variant.
Coding change: c.562C>T on transcript NM_000349.3 (MANE Select); coding-DNA position 562, C replaced by T.
Protein change: p.Arg188Cys; replaces arginine 188 with cysteine.
Molecular consequence: missense variant.
Genome position (GRCh38, 1-based): chr8:38,146,051, G>A on the plus strand (C>T on the coding strand, the complement: STAR is on the minus strand). VCF-style: chr8-38146051-G-A. GRCh37 (hg19) VCF-style: chr8-38003569-G-A.
Other names: short protein forms R188C.
Identifiers: ClinVar variation 8997 (VCV000008997.27), dbSNP rs104894090, ClinGen allele CA120045.